The following is an entry in ClinVar:

NM_178013.4(PRIMA1):c.226C>T (p.Pro76Ser)

Gene: PRIMA1 (proline rich membrane anchor 1; minus strand). Cytogenetic location: 14q32.12.
Variant type: single nucleotide variant.
Coding change: c.226C>T on transcript NM_178013.4 (MANE Select); coding-DNA position 226, C replaced by T.
Protein change: p.Pro76Ser; replaces proline 76 with serine.
Molecular consequence: missense variant.
Genome position (GRCh38, 1-based): chr14:93,779,179, G>A on the plus strand (C>T on the coding strand, the complement: PRIMA1 is on the minus strand). VCF-style: chr14-93779179-G-A. GRCh37 (hg19) VCF-style: chr14-94245525-G-A.
Other names: short protein forms P76S.
Identifiers: ClinVar variation 2101442 (VCV002101442.4), dbSNP rs2503455590, ClinGen allele CA391145649.
Genomic context (GRCh38, chr14:93,779,179, plus strand): 5'-TCGTGGGCCTAGGAAAACACAAAGAGAAACCCGAAAATGGAGTGAGCCATTACTTACCTG[G>A]GGCGGAGAGGAGTCTGGGAGGTGGCGGGGGTGGGGGCGGCGGGGGCAGCGGGGGAGGGGG-3'
Protein context (NP_821092.1, residues 66-86): PPPPPRLLSA[Pro76Ser]APNSTSCPTE

ClinVar aggregate classification (germline): Uncertain significance (1 of 4 stars; one submission).

Conditions:
Familial sleep-related hypermotor epilepsy. Also called: Autosomal Dominant Sleep-Related Hypermotor (Hyperkinetic) Epilepsy. Identifiers: Orphanet 98784, MedGen C3696898, MONDO:0000030.

Submission:

Labcorp Genetics (formerly Invitae), Labcorp
Classification: Uncertain significance for Familial sleep-related hypermotor epilepsy. Last evaluated: 2023-08-04. Review status: criteria provided, single submitter. Criteria: Invitae Variant Classification Sherloc (09022015). Collection method: clinical testing. Allele origin: germline.
Comment: In summary, the available evidence is currently insufficient to determine the role of this variant in disease. Therefore, it has been classified as a Variant of Uncertain Significance. An algorithm developed to predict the effect of missense changes on protein structure and function (PolyPhen-2) suggests that this variant is likely to be tolerated. ClinVar contains an entry for this variant (Variation ID: 2101442). This variant has not been reported in the literature in individuals affected with PRIMA1-related conditions. This variant is not present in population databases (gnomAD no frequency). This sequence change replaces proline, which is neutral and non-polar, with serine, which is neutral and polar, at codon 76 of the PRIMA1 protein (p.Pro76Ser).